The following is an entry in ClinVar:

ClinVar aggregate classification (germline): Pathogenic. Review status: criteria provided, multiple submitters, no conflicts (2 of 4 stars). 4 submissions from 4 submitters: Pathogenic (4). Last evaluated 2024-12-23.

Conditions:
Familial thoracic aortic aneurysm and aortic dissection (TAAD). Also called: Thoracic aortic aneurysms and dissections. Identifiers: Orphanet 91387, MedGen C4707243, MONDO:0019625.
Marfan syndrome (MFS). Also called: Marfan syndrome type 1; Marfan's syndrome; Marfan syndrome, classic; MARFAN SYNDROME, TYPE I; FBN1-Related Marfan Syndrome. Identifiers: Orphanet 284963, Orphanet 558, MedGen C0024796, MONDO:0007947, OMIM 154700.
FBN1-related disorder. Also called: FBN1-related disorders.

Submissions (4):

Labcorp Genetics (formerly Invitae), Labcorp
Classification: Pathogenic for Marfan syndrome; Familial thoracic aortic aneurysm and aortic dissection. Last evaluated: 2024-12-23. Review status: criteria provided, single submitter. Criteria: Invitae Variant Classification Sherloc (09022015). Collection method: clinical testing. Allele origin: germline.
Comment: This sequence change creates a premature translational stop signal (p.Gln2683*) in the FBN1 gene. It is expected to result in an absent or disrupted protein product. Loss-of-function variants in FBN1 are known to be pathogenic (PMID: 17657824, 19293843). This variant is not present in population databases (gnomAD no frequency). This premature translational stop signal has been observed in individual(s) with Marfan syndrome (PMID: 25656438). ClinVar contains an entry for this variant (Variation ID: 1071313). For these reasons, this variant has been classified as Pathogenic.

PreventionGenetics, part of Exact Sciences
Classification: Pathogenic for FBN1-related condition. Last evaluated: 2024-10-07. Review status: criteria provided, single submitter. Criteria: ACMG Guidelines, 2015. Collection method: clinical testing. Allele origin: germline.
Comment: The FBN1 c.8047C>T variant is predicted to result in premature protein termination (p.Gln2683*). This variant was reported in an individual with Marfan syndrome (Table S5, Haine et al. 2015. PubMed ID: 25656438). This variant has not been reported in a large population database (gnomAD), indicating this variant is rare. Nonsense variants in FBN1 are expected to be pathogenic. This variant is interpreted as pathogenic.

GeneDx
Classification: Pathogenic. Last evaluated: 2023-09-21. Review status: criteria provided, single submitter. Criteria: GeneDx Variant Classification Process June 2021. Collection method: clinical testing. Allele origin: germline. Affected: yes.
Comment: Nonsense variant predicted to result in protein truncation or nonsense mediated decay in a gene for which loss of function is a known mechanism of disease; Reported in a patient with pectus deformity and scoliosis in published literature (Haine et al., 2015); Not observed in large population cohorts (gnomAD); This variant is associated with the following publications: (PMID: 25656438)

Revvity Omics, Revvity
Classification: Pathogenic. Last evaluated: 2020-05-14. Review status: criteria provided, single submitter. Criteria: ACMG Guidelines, 2015. Collection method: clinical testing. Allele origin: germline.

Literature cited by the submitters: PubMed 17657824 (cited by Labcorp Genetics (formerly Invitae), Labcorp); PubMed 19293843 (cited by Labcorp Genetics (formerly Invitae), Labcorp); PubMed 25656438 (cited by Labcorp Genetics (formerly Invitae), Labcorp).

NM_000138.5(FBN1):c.8047C>T (p.Gln2683Ter)

Gene: FBN1 (fibrillin 1; minus strand). Cytogenetic location: 15q21.1.
Variant type: single nucleotide variant.
Coding change: c.8047C>T on transcript NM_000138.5 (MANE Select); coding-DNA position 8047, C replaced by T.
Protein change: p.Gln2683Ter; replaces glutamine 2683 with a stop codon.
Molecular consequence: nonsense.
Genome position (GRCh38, 1-based): chr15:48,415,540, G>A on the plus strand (C>T on the coding strand, the complement: FBN1 is on the minus strand). VCF-style: chr15-48415540-G-A. GRCh37 (hg19) VCF-style: chr15-48707737-G-A.
Other names: short protein forms Q2683*.
Identifiers: ClinVar variation 1071313 (VCV001071313.14), dbSNP rs2141214520, ClinGen allele CA392322481.